The following is an entry in ClinVar:

ClinVar aggregate classification (germline): Uncertain significance. Review status: criteria provided, multiple submitters, no conflicts (2 of 4 stars). 2 submissions from 2 submitters: Uncertain significance (2). Last evaluated 2024-10-16.

Conditions:
Wolfram-like syndrome. Also called: HEARING LOSS, PROGRESSIVE, WITH OPTIC ATROPHY AND/OR IMPAIRED GLUCOSE REGULATION. Identifiers: Orphanet 411590, MedGen C3280358, MONDO:0013673, OMIM 614296.
Cataract 41 (CTRCT41). Also called: CATARACT 41, CONGENITAL NUCLEAR TYPE. Identifiers: Orphanet 91492, Orphanet 98991, Orphanet 98992, Orphanet 98995, MedGen C3805412, MONDO:0007287, OMIM 116400.
Autosomal dominant nonsyndromic hearing loss 6 (LFSNHL). Also called: DEAFNESS, AUTOSOMAL DOMINANT 6; DEAFNESS, AUTOSOMAL DOMINANT 14; DEAFNESS, AUTOSOMAL DOMINANT 38; Autosomal dominant nonsyndromic deafness 6. Identifiers: Orphanet 90635, MedGen C1833021, MONDO:0010963, OMIM 600965.
Type 2 diabetes mellitus. Also called: Type II diabetes mellitus. Identifiers: MedGen C0011860, MeSH D003924, MONDO:0005148, OMIM 125853, HP:0005978.
Wolfram syndrome 1 (WFS1). Identifiers: Orphanet 3463, MedGen C4551693, MONDO:0009101, OMIM 222300.

Allele frequency attached by ClinVar (database versions not stated): ExAC 0.00001; gnomAD exomes 0.00002.
gnomAD v4.1: 38 of 1,607,092 alleles (0.0024%); highest among the groups gnomAD compares: Non-Finnish European, 0.0025%; no homozygotes.

Submissions (2):

Labcorp Genetics (formerly Invitae), Labcorp
Classification: Uncertain significance. Last evaluated: 2024-10-16. Review status: criteria provided, single submitter. Criteria: Invitae Variant Classification Sherloc (09022015). Collection method: clinical testing. Allele origin: germline.
Comment: This sequence change affects codon 236 of the WFS1 mRNA. It is a 'silent' change, meaning that it does not change the encoded amino acid sequence of the WFS1 protein. The frequency data for this variant in the population databases is considered unreliable, as metrics indicate poor data quality at this position in the gnomAD database. This variant has not been reported in the literature in individuals affected with WFS1-related conditions. Algorithms developed to predict the effect of sequence changes on RNA splicing suggest that this variant may create or strengthen a splice site. In summary, the available evidence is currently insufficient to determine the role of this variant in disease. Therefore, it has been classified as a Variant of Uncertain Significance.

Fulgent Genetics
Classification: Uncertain significance for Cataract 41; Type 2 diabetes mellitus; Wolfram syndrome 1; Autosomal dominant nonsyndromic hearing loss 6; Wolfram-like syndrome. Last evaluated: 2024-04-10. Review status: criteria provided, single submitter. Criteria: ACMG Guidelines, 2015. Collection method: clinical testing. Allele origin: germline.

NM_006005.3(WFS1):c.708C>T (p.Ser236=)

Gene: WFS1 (wolframin ER transmembrane glycoprotein; plus strand). Cytogenetic location: 4p16.1.
Variant type: single nucleotide variant.
Coding change: c.708C>T on transcript NM_006005.3 (MANE Select); coding-DNA position 708, C replaced by T.
Protein change: p.Ser236=; no amino-acid change (serine 236 retained).
Molecular consequence: synonymous variant.
Genome position (GRCh38, 1-based): chr4:6,291,993, C>T. VCF-style: chr4-6291993-C-T. GRCh37 (hg19) VCF-style: chr4-6293720-C-T.
Other names: c.708C>T, p.Ser236= (NM_001145853.1).
Identifiers: ClinVar variation 2908541 (VCV002908541.4), dbSNP rs760116566, ClinGen allele CA2839000.